The following is an entry in ClinVar:

NM_001351169.2(NT5C2):c.975C>T (p.Ile325=)

Gene: NT5C2 (5'-nucleotidase, cytosolic II; minus strand). Cytogenetic location: 10q24.32.
Variant type: single nucleotide variant.
Coding change: c.975C>T on transcript NM_001351169.2 (MANE Select); coding-DNA position 975, C replaced by T.
Protein change: p.Ile325=; no amino-acid change (isoleucine 325 retained).
Molecular consequence: synonymous variant.
Genome position (GRCh38, 1-based): chr10:103,093,985, G>A on the plus strand (C>T on the coding strand, the complement: NT5C2 is on the minus strand). VCF-style: chr10-103093985-G-A. GRCh37 (hg19) VCF-style: chr10-104853742-G-A.
Other names: c.975C>T, p.Ile325= (NM_001134373.3, NM_012229.5); c.999C>T, p.Ile333= (NM_001351170.2, NM_001351171.2, NM_001351172.2 and 1 more transcripts); c.888C>T, p.Ile296= (NM_001351174.1); c.882C>T, p.Ile294= (NM_001351175.2); c.402C>T, p.Ile134= (NM_001351176.2, NM_001351177.2, NM_001351178.2 and 16 more transcripts); c.261C>T, p.Ile87= (NM_001351194.2, NM_001351195.2, NM_001351196.2).
Identifiers: ClinVar variation 763503 (VCV000763503.6), dbSNP rs368236468, ClinGen allele CA5670890.

ClinVar aggregate classification (germline): Likely benign. Review status: criteria provided, multiple submitters, no conflicts (2 of 4 stars). 3 submissions from 3 submitters: Likely benign (3). Last evaluated 2026-06-01.

Allele frequency attached by ClinVar (database versions not stated): gnomAD 0.00004; ExAC 0.00007; gnomAD exomes 0.00007; TOPMed 0.00007; ESP Exome Variant Server 0.00008.
gnomAD v4.1: 81 of 1,612,924 alleles (0.005%); highest among the groups gnomAD compares: South Asian, 0.035%; no homozygotes.

Submissions (3):

CeGaT Center for Human Genetics Tuebingen
Classification: Likely benign. Last evaluated: 2026-06-01. Review status: criteria provided, single submitter. Criteria: CeGaT Center For Human Genetics Tuebingen Variant Classification Criteria Version 2. Collection method: clinical testing. Allele origin: germline. Affected: yes. Observed: 1 variant allele.
Comment: NT5C2: BP4, BP7

Blueprint Genetics
Classification: Likely benign. Last evaluated: 2024-10-15. Review status: criteria provided, single submitter. Criteria: ACMG Guidelines, 2015. Collection method: clinical testing. Allele origin: germline.

Labcorp Genetics (formerly Invitae), Labcorp
Classification: Likely benign. Last evaluated: 2018-08-14. Review status: criteria provided, single submitter. Criteria: Invitae Variant Classification Sherloc (09022015). Collection method: clinical testing. Allele origin: germline.